The following is an entry in ClinVar:

ClinVar aggregate classification (germline): Uncertain significance (1 of 4 stars; one submission).

Submission:

Mayo Clinic Laboratories, Mayo Clinic
Classification: Uncertain significance. Last evaluated: 2025-02-19. Review status: criteria provided, single submitter. Criteria: ACMG Guidelines, 2015. Collection method: clinical testing. Allele origin: germline. Observed: 1 variant allele.
Comment: BP4, PM2_supporting

NM_024312.5(GNPTAB):c.1435G>T (p.Ala479Ser)

Gene: GNPTAB (N-acetylglucosamine-1-phosphate transferase subunits alpha and beta; minus strand). Cytogenetic location: 12q23.2.
Variant type: single nucleotide variant.
Coding change: c.1435G>T on transcript NM_024312.5 (MANE Select); coding-DNA position 1435, G replaced by T.
Protein change: p.Ala479Ser; replaces alanine 479 with serine.
Molecular consequence: missense variant.
Genome position (GRCh38, 1-based): chr12:101,766,268, C>A on the plus strand (G>T on the coding strand, the complement: GNPTAB is on the minus strand). VCF-style: chr12-101766268-C-A. GRCh37 (hg19) VCF-style: chr12-102160046-C-A.
Other names: p.Ala479Ser; short protein forms A479S.
Identifiers: ClinVar variation 4541742 (VCV004541742.1).